The following is an entry in ClinVar:

NM_000292.3(PHKA2):c.2614G>T (p.Glu872Ter)

Gene: PHKA2 (phosphorylase kinase regulatory subunit alpha 2; minus strand). Cytogenetic location: Xp22.13.
Variant type: single nucleotide variant.
Coding change: c.2614G>T on transcript NM_000292.3 (MANE Select); coding-DNA position 2614, G replaced by T.
Protein change: p.Glu872Ter; replaces glutamic acid 872 with a stop codon.
Molecular consequence: nonsense.
Genome position (GRCh38, 1-based): chrX:18,906,798, C>A on the plus strand (G>T on the coding strand, the complement: PHKA2 is on the minus strand). VCF-style: chrX-18906798-C-A. GRCh37 (hg19) VCF-style: chrX-18924916-C-A.
Other names: short protein forms E872*.
Identifiers: ClinVar variation 1456672 (VCV001456672.6), dbSNP rs2147855177, ClinGen allele CA412382966.
Genomic context (GRCh38, chrX:18,906,798, plus strand): 5'-GCGTGAGGACGGCAATGCTGATGTCCTGCCCACTGGCCTCGTAGATGAGTTTTGTGAGCT[C>A]CTCTGGGGGAAGGGGCCTAGAAAGGAGCATTGTGTCACGAATGTGATGAGGTGTCTTGAG-3'

ClinVar aggregate classification (germline): Pathogenic (1 of 4 stars; one submission).

Conditions:
Glycogen storage disease IXa1. Also called: LIVER GLYCOGENOSIS, X-LINKED, TYPE I; GLYCOGEN STORAGE DISEASE VIII; GSD VIII; Glycogen storage disease 8. Identifiers: Orphanet 264580, MedGen C3694531, MONDO:0010598, OMIM 306000.

Submission:

Labcorp Genetics (formerly Invitae), Labcorp
Classification: Pathogenic for Glycogen storage disease IXa1. Last evaluated: 2020-10-28. Review status: criteria provided, single submitter. Criteria: Invitae Variant Classification Sherloc (09022015). Collection method: clinical testing. Allele origin: germline.
Comment: For these reasons, this variant has been classified as Pathogenic. This variant has not been reported in the literature in individuals with PHKA2-related conditions. This variant is not present in population databases (ExAC no frequency). This sequence change creates a premature translational stop signal (p.Glu872*) in the PHKA2 gene. It is expected to result in an absent or disrupted protein product. Loss-of-function variants in PHKA2 are known to be pathogenic (PMID: 7711737, 10330341).

Literature cited by the submitters: PubMed 7711737; PubMed 10330341.